The following is an entry in ClinVar:

ClinVar aggregate classification (germline): Uncertain significance. Review status: criteria provided, multiple submitters, no conflicts (2 of 4 stars). 2 submissions from 2 submitters: Uncertain significance (2). Last evaluated 2024-02-26.

Conditions:
Hereditary insensitivity to pain with anhidrosis (CIPA). Also called: NTRK1 Congenital Insensitivity to Pain with Anhidrosis; INSENSITIVITY TO PAIN, CONGENITAL, WITH ANHIDROSIS; NEUROPATHY, CONGENITAL SENSORY, WITH ANHIDROSIS; hereditary sensory and autonomic neuropathy type 4; FAMILIAL DYSAUTONOMIA, TYPE II; HSAN Type IV. Identifiers: Orphanet 642, MedGen C0020074, MONDO:0009746, OMIM 256800.

Allele frequency attached by ClinVar (database versions not stated): TOPMed below 0.00001; gnomAD 0.00001; gnomAD exomes 0.00001.

Submissions (2):

ARUP Laboratories, Molecular Genetics and Genomics, ARUP Laboratories
Classification: Uncertain significance for Hereditary insensitivity to pain with anhidrosis. Last evaluated: 2024-02-26. Review status: criteria provided, single submitter. Criteria: ARUP Molecular Germline Variant Investigation Process 2024. Collection method: clinical testing. Allele origin: germline.
Comment: The NTRK1 c.521A>G; p.Lys174Arg variant (rs1329530186), to our knowledge, is not reported in the medical literature but is reported in ClinVar (Variation ID: 1384952). This variant is also absent from the Genome Aggregation Database (v2.1.1), indicating it is not a common polymorphism. Computational analyses are uncertain whether this variant is neutral or deleterious (REVEL: 0.221). Due to limited information, the clinical significance of this variant is uncertain at this time.

Labcorp Genetics (formerly Invitae), Labcorp
Classification: Uncertain significance for Hereditary insensitivity to pain with anhidrosis. Last evaluated: 2022-06-19. Review status: criteria provided, single submitter. Criteria: Invitae Variant Classification Sherloc (09022015). Collection method: clinical testing. Allele origin: germline.
Comment: This sequence change replaces lysine, which is basic and polar, with arginine, which is basic and polar, at codon 174 of the NTRK1 protein (p.Lys174Arg). This variant is not present in population databases (gnomAD no frequency). This variant has not been reported in the literature in individuals affected with NTRK1-related conditions. Advanced modeling of protein sequence and biophysical properties (such as structural, functional, and spatial information, amino acid conservation, physicochemical variation, residue mobility, and thermodynamic stability) performed at Invitae indicates that this missense variant is not expected to disrupt NTRK1 protein function. Algorithms developed to predict the effect of sequence changes on RNA splicing suggest that this variant may disrupt the consensus splice site. In summary, the available evidence is currently insufficient to determine the role of this variant in disease. Therefore, it has been classified as a Variant of Uncertain Significance.

NM_002529.4(NTRK1):c.521A>G (p.Lys174Arg)

Gene: NTRK1 (neurotrophic receptor tyrosine kinase 1; plus strand). Cytogenetic location: 1q23.1.
Variant type: single nucleotide variant.
Coding change: c.521A>G on transcript NM_002529.4 (MANE Select); coding-DNA position 521, A replaced by G.
Protein change: p.Lys174Arg; replaces lysine 174 with arginine.
Molecular consequence: missense variant.
Genome position (GRCh38, 1-based): chr1:156,868,196, A>G. VCF-style: chr1-156868196-A-G. GRCh37 (hg19) VCF-style: chr1-156837988-A-G.
Other names: c.431A>G, p.Lys144Arg (NM_001007792.1); c.521A>G, p.Lys174Arg (NM_001012331.2); short protein forms K144R, K174R.
Identifiers: ClinVar variation 1384952 (VCV001384952.6), dbSNP rs1329530186, ClinGen allele CA342933876.